The following is an entry in ClinVar:

NM_020433.5(JPH2):c.1410G>T (p.Pro470=)

Gene: JPH2 (junctophilin 2; minus strand). Cytogenetic location: 20q13.12.
Variant type: single nucleotide variant.
Coding change: c.1410G>T on transcript NM_020433.5 (MANE Select); coding-DNA position 1410, G replaced by T.
Protein change: p.Pro470=; no amino-acid change (proline 470 retained).
Molecular consequence: synonymous variant.
Genome position (GRCh38, 1-based): chr20:44,116,265, C>A on the plus strand (G>T on the coding strand, the complement: JPH2 is on the minus strand). VCF-style: chr20-44116265-C-A. GRCh37 (hg19) VCF-style: chr20-42744905-C-A.
Identifiers: ClinVar variation 381105 (VCV000381105.9), dbSNP rs751126526, ClinGen allele CA16608359.

ClinVar aggregate classification (germline): Likely benign. Review status: criteria provided, multiple submitters, no conflicts (2 of 4 stars). 2 submissions from 2 submitters: Likely benign (2). Last evaluated 2025-09-08.

Conditions:
Hypertrophic cardiomyopathy. Also called: HYPERTROPHIC MYOCARDIOPATHY. Identifiers: Orphanet 217569, MedGen C0007194, MeSH D002312, MONDO:0005045, HP:0001639.

Submissions (2):

Labcorp Genetics (formerly Invitae), Labcorp
Classification: Likely benign for Hypertrophic cardiomyopathy. Last evaluated: 2025-09-08. Review status: criteria provided, single submitter. Criteria: Invitae Variant Classification Sherloc (09022015). Collection method: clinical testing. Allele origin: germline.

GeneDx
Classification: Likely benign. Last evaluated: 2015-11-03. Review status: criteria provided, single submitter. Criteria: GeneDx Variant Classification (06012015). Collection method: clinical testing. Allele origin: germline. Affected: yes.
Comment: This variant is considered likely benign or benign based on one or more of the following criteria: it is a conservative change, it occurs at a poorly conserved position in the protein, it is predicted to be benign by multiple in silico algorithms, and/or has population frequency not consistent with disease.